The following is an entry in ClinVar:

ClinVar aggregate classification (germline): Pathogenic/Likely pathogenic. Review status: criteria provided, multiple submitters, no conflicts (2 of 4 stars). 5 submissions from 5 submitters: Pathogenic (4); Likely pathogenic (1). Last evaluated 2025-08-27.

Conditions:
OCA2-related disorder. Also called: OCA2-related condition.
Tyrosinase-positive oculocutaneous albinism (OCA2). Also called: ALBINISM II; Albinism, oculocutaneous, type II; Oculocutaneous albinism type 2. Identifiers: Orphanet 79432, MedGen C0268495, MONDO:0008746, OMIM 203200.
SKIN/HAIR/EYE PIGMENTATION 1, BLUE/NONBLUE EYES (SHEP1). Also called: BROWN EYE COLOR 2; EYE COLOR 3; EYE COLOR, BLUE/NONBLUE; EYE COLOR, BROWN/BLUE; HAIR COLOR 3; SKIN/HAIR/EYE PIGMENTATION 1, BLOND/BROWN HAIR. Identifiers: MedGen C1856895, OMIM 227220.

Allele frequency attached by ClinVar (database versions not stated): TOPMed below 0.00001; ExAC 0.00001; gnomAD 0.00001; gnomAD exomes 0.00001.
gnomAD v4.1: 12 of 1,596,878 alleles (0.00075%); highest among the groups gnomAD compares: Non-Finnish European, 0.00094%; no homozygotes.

Submissions (5):

Myriad Genetics, Inc.
Classification: Pathogenic for Tyrosinase-positive oculocutaneous albinism. Last evaluated: 2025-08-27. Review status: criteria provided, single submitter. Criteria: Myriad Autosomal Dominant, Autosomal Recessive and X-Linked Classification Criteria (2023). Collection method: clinical testing. Allele origin: unknown.
Comment: NM_000275.2(OCA2):c.1951+1G>A is a variant in a canonical splice site classified as pathogenic in the context of oculocutaneous albinism, OCA2-related. c.1951+1G>A has been observed in cases with relevant disease (PMID: 20426782, 29345414). Relevant functional assessments of this variant are not available in the literature. c.1951+1G>A has been observed in referenced population frequency databases. In summary, NM_000275.2(OCA2):c.1951+1G>A is a variant in a canonical splice site in a gene where loss of function is a known mechanism of disease, is predicted to disrupt protein function, and has been observed more frequently in cases with the relevant disease than in healthy populations. Please note: this variant was assessed in the context of healthy population screening.

Women's Health and Genetics/Laboratory Corporation of America, LabCorp
Classification: Pathogenic for Tyrosinase-positive oculocutaneous albinism. Last evaluated: 2024-09-20. Review status: criteria provided, single submitter. Criteria: LabCorp Variant Classification Summary - May 2015. Collection method: clinical testing. Allele origin: germline.
Comment: Variant summary: OCA2 c.1951+1G>A is located in a canonical splice-site and is predicted to affect mRNA splicing resulting in a significantly altered protein due to either exon skipping, shortening, or inclusion of intronic material. Variants that disrupt the consensus splice site are a relatively common cause of aberrant splicing and loss of OCA2 function. Several computational tools predict a significant impact on normal splicing: Four predict the variant abolishes a 5' splicing donor site. However, these predictions have yet to be confirmed by functional studies. The variant allele was found at a frequency of 4e-06 in 250986 control chromosomes. c.1951+1G>A has been reported in the literature and internal data in the homozygous, compound heterozygous, or presumed compound heterozygous state in multiple individuals affected with clinical features of Tyrosinase-Positive Oculocutaneous Albinism (example, Lasseaux_2018, Sengupta_2010, Labcorp internal data). These data indicate that the variant is likely to be associated with disease. To our knowledge, no experimental evidence demonstrating an impact on protein function has been reported. The following publications have been ascertained in the context of this evaluation (PMID: 29345414, 20426782). ClinVar contains an entry for this variant (Variation ID: 2137631). Based on the evidence outlined above, the variant was classified as pathogenic.

Labcorp Genetics (formerly Invitae), Labcorp
Classification: Pathogenic. Last evaluated: 2024-05-27. Review status: criteria provided, single submitter. Criteria: Invitae Variant Classification Sherloc (09022015). Collection method: clinical testing. Allele origin: germline.
Comment: This sequence change affects a donor splice site in intron 18 of the OCA2 gene. It is expected to disrupt RNA splicing. Variants that disrupt the donor or acceptor splice site typically lead to a loss of protein function (PMID: 16199547), and loss-of-function variants in OCA2 are known to be pathogenic (PMID: 19865097, 21541274). This variant is present in population databases (rs752727398, gnomAD 0.007%). Disruption of this splice site has been observed in individuals with ocular albinism (PMID: 20426782; Invitae). ClinVar contains an entry for this variant (Variation ID: 2137631). Algorithms developed to predict the effect of sequence changes on RNA splicing suggest that this variant may disrupt the consensus splice site. For these reasons, this variant has been classified as Pathogenic.

Baylor Genetics
Classification: Pathogenic for SKIN/HAIR/EYE PIGMENTATION 1, BLUE/NONBLUE EYES. Last evaluated: 2023-10-07. Review status: criteria provided, single submitter. Criteria: ACMG Guidelines, 2015. Collection method: clinical testing. Allele origin: unknown.

Blueprint Genetics
Classification: Likely pathogenic for OCA2-related disorders. Last evaluated: 2021-03-26. Review status: criteria provided, single submitter. Criteria: ACMG Guidelines, 2015. Collection method: clinical testing. Allele origin: germline. Affected: yes. Observed: 3 variant alleles.

Literature cited by the submitters: PubMed 20426782 (cited by 3 submitters); PubMed 29345414 (cited by Myriad Genetics, Inc. and Women's Health and Genetics/Laboratory Corporation of America, LabCorp); PubMed 16199547 (cited by Labcorp Genetics (formerly Invitae), Labcorp); PubMed 19865097 (cited by Labcorp Genetics (formerly Invitae), Labcorp); PubMed 21541274 (cited by Labcorp Genetics (formerly Invitae), Labcorp).

NM_000275.3(OCA2):c.1951+1G>A

Gene: OCA2 (OCA2 melanosomal transmembrane protein; minus strand). Cytogenetic location: 15q13.1.
Variant type: single nucleotide variant.
Coding change: c.1951+1G>A on transcript NM_000275.3 (MANE Select); the canonical splice donor site of the intron after coding-DNA position 1951, G replaced by A.
Molecular consequence: splice donor variant.
Genome position (GRCh38, 1-based): chr15:27,951,783, C>T on the plus strand (G>A on the coding strand, the complement: OCA2 is on the minus strand). VCF-style: chr15-27951783-C-T. GRCh37 (hg19) VCF-style: chr15-28196929-C-T.
Other names: c.1879+1G>A (NM_001300984.2).
Identifiers: ClinVar variation 2137631 (VCV002137631.8), dbSNP rs752727398, ClinGen allele CA7438851.